The following is an entry in ClinVar:

ClinVar aggregate classification (germline): Uncertain significance (1 of 4 stars; one submission).

Submission:

GeneDx
Classification: Uncertain significance. Last evaluated: 2023-01-12. Review status: criteria provided, single submitter. Criteria: GeneDx Variant Classification Process June 2021. Collection method: clinical testing. Allele origin: germline. Affected: yes.
Comment: Has not been previously published as pathogenic or benign to our knowledge; Not observed at significant frequency in large population cohorts (gnomAD); In silico analysis supports that this missense variant does not alter protein structure/function

NM_020778.5(ALPK3):c.1223G>A (p.Gly408Asp)

Gene: ALPK3 (alpha kinase 3; plus strand). Cytogenetic location: 15q25.3.
Variant type: single nucleotide variant.
Coding change: c.1223G>A on transcript NM_020778.5 (MANE Select); coding-DNA position 1223, G replaced by A.
Protein change: p.Gly408Asp; replaces glycine 408 with aspartic acid.
Molecular consequence: missense variant.
Genome position (GRCh38, 1-based): chr15:84,840,502, G>A. VCF-style: chr15-84840502-G-A. GRCh37 (hg19) VCF-style: chr15-85383733-G-A.
Other names: short protein forms G408D.
Identifiers: ClinVar variation 2572691 (VCV002572691.1), dbSNP rs1465543768, ClinGen allele CA393374881.
Genomic context (GRCh38, chr15:84,840,502, plus strand): 5'-AGCCAGCCTCTGCTGTGGGCACTCCAGACAAGGCCCAGAAGGCCCCTGGCCCAGGCCCAG[G>A]CCAGGAAGTGTATTTCTCCTTGAAGGACATGTACCTGGAGAACACCCAGGCAGTCAGGCC-3'
Protein context (NP_065829.4, residues 398-418): KAQKAPGPGP[Gly408Asp]QEVYFSLKDM